The following is an entry in ClinVar:

NM_002641.4(PIGA):c.29G>A (p.Gly10Asp)

Gene: PIGA (phosphatidylinositol glycan anchor biosynthesis class A; minus strand). Cytogenetic location: Xp22.2.
Variant type: single nucleotide variant.
Coding change: c.29G>A on transcript NM_002641.4 (MANE Select); coding-DNA position 29, G replaced by A.
Protein change: p.Gly10Asp; replaces glycine 10 with aspartic acid.
Molecular consequence: missense variant. On other transcripts: non-coding transcript variant (2), intron variant (1).
Genome position (GRCh38, 1-based): chrX:15,331,902, C>T on the plus strand (G>A on the coding strand, the complement: PIGA is on the minus strand). VCF-style: chrX-15331902-C-T. GRCh37 (hg19) VCF-style: chrX-15350024-C-T.
Other names: c.13+3599G>A (NM_020473.3); short protein forms G10D.
Identifiers: ClinVar variation 810513 (VCV000810513.46), dbSNP rs1602212448, ClinGen allele CA412341579.

ClinVar aggregate classification (germline): Uncertain significance. Review status: criteria provided, multiple submitters, no conflicts (2 of 4 stars). 2 submissions from 2 submitters: Uncertain significance (2). Last evaluated 2022-05-03.

Conditions:
Multiple congenital anomalies-hypotonia-seizures syndrome 2 (MCAHS2). Also called: GLYCOSYLPHOSPHATIDYLINOSITOL BIOSYNTHESIS DEFECT 4; EPILEPTIC ENCEPHALOPATHY, EARLY INFANTILE, 20. Identifiers: Orphanet 300496, MedGen C3275508, MONDO:0010466, OMIM 300868.

Allele frequency attached by ClinVar (database versions not stated): gnomAD exomes below 0.00001.
gnomAD v4.1: 1 of 1,206,183 alleles (0.000083%); highest among the groups gnomAD compares: Non-Finnish European, 0.00011%; no homozygotes.

Submissions (2):

Labcorp Genetics (formerly Invitae), Labcorp
Classification: Uncertain significance for Multiple congenital anomalies-hypotonia-seizures syndrome 2. Last evaluated: 2022-05-03. Review status: criteria provided, single submitter. Criteria: Invitae Variant Classification Sherloc (09022015). Collection method: clinical testing. Allele origin: germline.
Comment: Algorithms developed to predict the effect of missense changes on protein structure and function output the following: SIFT: "Tolerated"; PolyPhen-2: "Benign"; Align-GVGD: "Class C0". The aspartic acid amino acid residue is found in multiple mammalian species, which suggests that this missense change does not adversely affect protein function. In summary, the available evidence is currently insufficient to determine the role of this variant in disease. Therefore, it has been classified as a Variant of Uncertain Significance. ClinVar contains an entry for this variant (Variation ID: 810513). This variant has not been reported in the literature in individuals affected with PIGA-related conditions. This variant is not present in population databases (gnomAD no frequency). This sequence change replaces glycine, which is neutral and non-polar, with aspartic acid, which is acidic and polar, at codon 10 of the PIGA protein (p.Gly10Asp).

CeGaT Center for Human Genetics Tuebingen
Classification: Uncertain significance. Last evaluated: 2019-01-01. Review status: criteria provided, single submitter. Criteria: CeGaT Center For Human Genetics Tuebingen Variant Classification Criteria Version 2. Collection method: clinical testing. Allele origin: germline. Affected: yes. Observed: 1 variant allele.